The following is an entry in ClinVar:

ClinVar aggregate classification (germline): Uncertain significance (1 of 4 stars; one submission).

Conditions:
Charcot-Marie-Tooth disease dominant intermediate B (CMTDIB). Also called: CHARCOT-MARIE-TOOTH NEUROPATHY, DOMINANT INTERMEDIATE B; Charcot-Marie-Tooth disease dominant intermediate 1; CMT DI1; Charcot-Marie-Tooth disease dominant intermediate I. Identifiers: Orphanet 100044, Orphanet 228179, MedGen C1847902, MONDO:0011674, OMIM 606482.

gnomAD v4.1: 1 of 1,614,092 alleles (0.000062%); highest among the groups gnomAD compares: Non-Finnish European, 0.000085%; no homozygotes.

Submission:

Labcorp Genetics (formerly Invitae), Labcorp
Classification: Uncertain significance for Charcot-Marie-Tooth disease dominant intermediate B. Last evaluated: 2025-10-21. Review status: criteria provided, single submitter. Criteria: Invitae Variant Classification Sherloc (09022015). Collection method: clinical testing. Allele origin: germline.
Comment: This sequence change creates a premature translational stop signal (p.Arg385*) in the DNM2 gene. It is expected to result in an absent or disrupted protein product. However, the current clinical and genetic evidence is not sufficient to establish whether loss-of-function variants in DNM2 cause disease. This variant is not present in population databases (gnomAD no frequency). This variant has not been reported in the literature in individuals affected with DNM2-related conditions. In summary, the available evidence is currently insufficient to determine the role of this variant in disease. Therefore, it has been classified as a Variant of Uncertain Significance.

NM_001005361.3(DNM2):c.1153C>T (p.Arg385Ter)

Gene: DNM2 (dynamin 2; plus strand). Cytogenetic location: 19p13.2.
Variant type: single nucleotide variant.
Coding change: c.1153C>T on transcript NM_001005361.3 (MANE Select); coding-DNA position 1153, C replaced by T.
Protein change: p.Arg385Ter; replaces arginine 385 with a stop codon.
Molecular consequence: nonsense.
Genome position (GRCh38, 1-based): chr19:10,795,396, C>T. VCF-style: chr19-10795396-C-T. GRCh37 (hg19) VCF-style: chr19-10906072-C-T.
Other names: c.1153C>T, p.Arg385Ter (NM_001005360.3, NM_001005362.3, NM_001190716.2 and 1 more transcripts); short protein forms R385*.
Identifiers: ClinVar variation 4729596 (VCV004729596.1).